The following is an entry in ClinVar:

NM_177438.3(DICER1):c.4871C>G (p.Ala1624Gly)

Gene: DICER1 (dicer 1, ribonuclease III; minus strand). Cytogenetic location: 14q32.13.
Variant type: single nucleotide variant.
Coding change: c.4871C>G on transcript NM_177438.3 (MANE Select); coding-DNA position 4871, C replaced by G.
Protein change: p.Ala1624Gly; replaces alanine 1624 with glycine.
Molecular consequence: missense variant. On other transcripts: non-coding transcript variant (6).
Genome position (GRCh38, 1-based): chr14:95,096,049, G>C on the plus strand (C>G on the coding strand, the complement: DICER1 is on the minus strand). VCF-style: chr14-95096049-G-C. GRCh37 (hg19) VCF-style: chr14-95562386-G-C.
Other names: c.4871C>G, p.Ala1624Gly (NM_001395679.1, NM_001395680.1, NM_001395682.1 and 12 more transcripts); c.4589C>G, p.Ala1530Gly (NM_001395686.1); c.4466C>G, p.Ala1489Gly (NM_001395687.1, NM_001395688.1, NM_001395689.1 and 2 more transcripts); c.4304C>G, p.Ala1435Gly (NM_001395691.1); c.3188C>G, p.Ala1063Gly (NM_001395697.1); short protein forms A1435G, A1489G, A1530G, A1624G, A1063G.
Identifiers: ClinVar variation 3720156 (VCV003720156.2).
Genomic context (GRCh38, chr14:95,096,049, plus strand): 5'-ATCTTCAAACAACCATATTCCGAGTCTTTCAATACAGAAGAGCGTGAACTGGCCACAGAA[G>C]CAGCAGCACAGCTCACTGAAAGGTTCTTTTGTTGGCTGTTGAAATTCTCCCGAGTAGGGC-3'
Protein context (NP_803187.1, residues 1614-1634): QKNLSVSCAA[Ala1624Gly]SVASSRSSVL

ClinVar aggregate classification (germline): Uncertain significance (1 of 4 stars; one submission).

Conditions:
DICER1-related tumor predisposition. Also called: DICER1 syndrome; DICER1-related pleuropulmonary blastoma cancer predisposition syndrome. Identifiers: Orphanet 284343, MedGen C3839822, MONDO:0100216.

Submission:

Labcorp Genetics (formerly Invitae), Labcorp
Classification: Uncertain significance for DICER1-related tumor predisposition. Last evaluated: 2024-12-24. Review status: criteria provided, single submitter. Criteria: Invitae Variant Classification Sherloc (09022015). Collection method: clinical testing. Allele origin: germline.
Comment: This sequence change replaces alanine, which is neutral and non-polar, with glycine, which is neutral and non-polar, at codon 1624 of the DICER1 protein (p.Ala1624Gly). This variant is not present in population databases (gnomAD no frequency). This variant has not been reported in the literature in individuals affected with DICER1-related conditions. Invitae Evidence Modeling of protein sequence and biophysical properties (such as structural, functional, and spatial information, amino acid conservation, physicochemical variation, residue mobility, and thermodynamic stability) indicates that this missense variant is not expected to disrupt DICER1 protein function with a negative predictive value of 95%. In summary, the available evidence is currently insufficient to determine the role of this variant in disease. Therefore, it has been classified as a Variant of Uncertain Significance.